The following is an entry in ClinVar:

NM_005529.7(HSPG2):c.4758C>T (p.Ala1586=)

Gene: HSPG2 (heparan sulfate proteoglycan 2; minus strand). Cytogenetic location: 1p36.12.
Variant type: single nucleotide variant.
Coding change: c.4758C>T on transcript NM_005529.7 (MANE Select); coding-DNA position 4758, C replaced by T.
Protein change: p.Ala1586=; no amino-acid change (alanine 1586 retained).
Molecular consequence: synonymous variant.
Genome position (GRCh38, 1-based): chr1:21,862,098, G>A on the plus strand (C>T on the coding strand, the complement: HSPG2 is on the minus strand). VCF-style: chr1-21862098-G-A. GRCh37 (hg19) VCF-style: chr1-22188591-G-A.
Other names: c.4761C>T, p.Ala1587= (NM_001291860.2).
Identifiers: ClinVar variation 447554 (VCV000447554.54), dbSNP rs374708543, ClinGen allele CA672168.

ClinVar aggregate classification (germline): Benign/Likely benign. Review status: criteria provided, multiple submitters, no conflicts (2 of 4 stars). 7 submissions from 7 submitters: Benign (1); Likely benign (5). 1 of the submissions does not count toward it. Last evaluated 2025-12-17.

Conditions:
HSPG2-related disorder. Also called: HSPG2-related disorders; HSPG2-related condition.

Allele frequency attached by ClinVar (database versions not stated): TOPMed 0.00008; gnomAD 0.00009 and 0.00010; gnomAD exomes 0.00010; ExAC 0.00016; ESP Exome Variant Server 0.00031.
gnomAD v4.1: 166 of 1,613,150 alleles (0.01%); highest among the groups gnomAD compares: Non-Finnish European, 0.013%; 1 homozygote.

Submissions (7):

Labcorp Genetics (formerly Invitae), Labcorp
Classification: Benign. Last evaluated: 2025-12-17. Review status: criteria provided, single submitter. Criteria: Invitae Variant Classification Sherloc (09022015). Collection method: clinical testing. Allele origin: germline.

Blueprint Genetics
Classification: Likely benign. Last evaluated: 2022-03-03. Review status: criteria provided, single submitter. Criteria: ACMG Guidelines, 2015. Collection method: clinical testing. Allele origin: germline.

CeGaT Center for Human Genetics Tuebingen
Classification: Likely benign. Last evaluated: 2021-03-01. Review status: criteria provided, single submitter. Criteria: CeGaT Center For Human Genetics Tuebingen Variant Classification Criteria Version 2. Collection method: clinical testing. Allele origin: germline. Affected: yes. Observed: 1 variant allele.

ARUP Laboratories, Molecular Genetics and Genomics, ARUP Laboratories
Classification: Likely benign. Last evaluated: 2018-06-06. Review status: criteria provided, single submitter. Criteria: ARUP Molecular Germline Variant Investigation Process. Collection method: clinical testing. Allele origin: germline.
Comment: The HSPG2 c.4758C>T; p.Ala1586Ala variant (rs374708543), to our knowledge, is not described in the medical literature but is reported as likely benign by one laboratory in ClinVar (Variation ID: 447554) and observed in the general population at an overall frequency of 0.01% (34/276254 alleles) in the Genome Aggregation Database. This is a synonymous variant as a weakly conserved nucleotide, and computational algorithms (Alamut v.2.11) predict no impact on splicing. Based on available information, this variant is considered likely benign.

Athena Diagnostics
Classification: Likely benign. Last evaluated: 2016-11-03. Review status: criteria provided, single submitter. Criteria: Athena Diagnostics Criteria. Collection method: clinical testing. Allele origin: germline.

Breakthrough Genomics
Classification: Likely benign. Review status: criteria provided, single submitter. Criteria: ACMG Guidelines, 2015. Collection method: not provided. Allele origin: germline. Inheritance: Autosomal recessive inheritance. Affected: yes.

PreventionGenetics, part of Exact Sciences
Classification: Likely benign for HSPG2-related condition. Last evaluated: 2019-06-24. Review status: no assertion criteria provided. Collection method: clinical testing. Allele origin: germline. Not counted in ClinVar's aggregate classification.
Comment: This variant is classified as likely benign based on ACMG/AMP sequence variant interpretation guidelines (Richards et al. 2015 PMID: 25741868, with internal and published modifications).